The following is an entry in ClinVar:

ClinVar aggregate classification (germline): Pathogenic. Review status: criteria provided, multiple submitters, no conflicts (2 of 4 stars). 2 submissions from 2 submitters: Pathogenic (2). Last evaluated 2024-08-02.

Conditions:
Familial cancer of breast. Also called: BREAST CANCER, FAMILIAL; Hereditary breast cancer; hereditary breast carcinoma. Identifiers: Orphanet 227535, MedGen C0346153, MONDO:0016419, OMIM 114480. Disease mechanism: loss of function.
Hereditary cancer-predisposing syndrome. Also called: Tumor predisposition; Neoplastic Syndromes, Hereditary; Hereditary Cancer Syndrome; Hereditary neoplastic syndrome. Identifiers: Orphanet 140162, MedGen C0027672, MeSH D009386, MONDO:0015356.

Submissions (2):

Ambry Genetics
Classification: Pathogenic for Hereditary cancer-predisposing syndrome. Last evaluated: 2024-08-02. Review status: criteria provided, single submitter. Criteria: Ambry Variant Classification Scheme 2023. Collection method: clinical testing. Allele origin: germline.
Comment: The c.960dupA pathogenic mutation, located in coding exon 8 of the CHEK2 gene, results from a duplication of A at nucleotide position 960, causing a translational frameshift with a predicted alternate stop codon (p.E321Rfs*20). This variant is considered to be rare based on population cohorts in the Genome Aggregation Database (gnomAD). This alteration is expected to result in loss of function by premature protein truncation or nonsense-mediated mRNA decay. As such, this alteration is interpreted as a disease-causing mutation.

Labcorp Genetics (formerly Invitae), Labcorp
Classification: Pathogenic for Familial cancer of breast. Last evaluated: 2024-08-01. Review status: criteria provided, single submitter. Criteria: Invitae Variant Classification Sherloc (09022015). Collection method: clinical testing. Allele origin: germline.
Comment: This sequence change creates a premature translational stop signal (p.Glu321Argfs*20) in the CHEK2 gene. It is expected to result in an absent or disrupted protein product. Loss-of-function variants in CHEK2 are known to be pathogenic (PMID: 21876083, 24713400). This variant is not present in population databases (gnomAD no frequency). This variant has not been reported in the literature in individuals affected with CHEK2-related conditions. For these reasons, this variant has been classified as Pathogenic.

Literature cited by the submitters: PubMed 21876083 (cited by Labcorp Genetics (formerly Invitae), Labcorp); PubMed 24713400 (cited by Labcorp Genetics (formerly Invitae), Labcorp).

NM_007194.4(CHEK2):c.960dup (p.Glu321fs)

Gene: CHEK2 (checkpoint kinase 2; minus strand). Cytogenetic location: 22q12.1.
Variant type: Duplication.
Coding change: c.960dup on transcript NM_007194.4 (MANE Select); coding-DNA position 960, one base duplicated (A; older notation c.960dupA).
Protein change: p.Glu321fs; shifts the reading frame from glutamic acid 321.
Molecular consequence: frameshift variant.
Genome position (GRCh38, 1-based): chr22:28,699,886, T duplicated on the plus strand (A on the coding strand, the reverse complement: CHEK2 is on the minus strand); the first of 3 consecutive T bases (chr22:28,699,886-28,699,888); duplicating any one gives the same sequence. VCF-style (leftmost placement, unchanged base first): chr22-28699885-C-CT. GRCh37 (hg19) VCF-style: chr22-29095873-C-CT.
Other names: c.1087dup, p.Glu364Argfs (NM_001005735.3); c.295dup, p.Glu100Argfs (NM_001257387.3); c.757dup, p.Glu254Argfs (NM_001349956.3); c.958dup, p.Glu321Argfs (NM_145862.3); short protein forms E100fs, E321fs, E254fs, E364fs.
Identifiers: ClinVar variation 3492177 (VCV003492177.3).